The following is an entry in ClinVar:

ClinVar aggregate classification (germline): Uncertain significance (1 of 4 stars; one submission).

Conditions:
Inborn genetic diseases. Identifiers: MedGen C0950123, MeSH D030342.

Allele frequency attached by ClinVar (database versions not stated): gnomAD exomes below 0.00001.
gnomAD v4.1: 1 of 1,614,026 alleles (0.000062%); highest among the groups gnomAD compares: Non-Finnish European, 0.000085%; no homozygotes.

Submission:

Ambry Genetics
Classification: Uncertain significance for Inborn genetic diseases. Last evaluated: 2021-09-20. Review status: criteria provided, single submitter. Criteria: Ambry Variant Classification Scheme 2023. Collection method: clinical testing. Allele origin: germline.
Comment: The p.L2429R variant (also known as c.7286T>G), located in coding exon 43 of the ATR gene, results from a T to G substitution at nucleotide position 7286. The leucine at codon 2429 is replaced by arginine, an amino acid with dissimilar properties. This amino acid position is conserved. In addition, the in silico prediction for this alteration is inconclusive. Since supporting evidence is limited at this time, the clinical significance of this alteration remains unclear.

NM_001184.4(ATR):c.7286T>G (p.Leu2429Arg)

Gene: ATR (ATR checkpoint kinase; minus strand). Cytogenetic location: 3q23.
Variant type: single nucleotide variant.
Coding change: c.7286T>G on transcript NM_001184.4 (MANE Select); coding-DNA position 7286, T replaced by G.
Protein change: p.Leu2429Arg; replaces leucine 2429 with arginine.
Molecular consequence: missense variant.
Genome position (GRCh38, 1-based): chr3:142,459,290, A>C on the plus strand (T>G on the coding strand, the complement: ATR is on the minus strand). VCF-style: chr3-142459290-A-C. GRCh37 (hg19) VCF-style: chr3-142178132-A-C.
Other names: c.7094T>G, p.Leu2365Arg (NM_001354579.2); short protein forms L2365R, L2429R.
Identifiers: ClinVar variation 1758084 (VCV001758084.2), dbSNP rs2108261599, ClinGen allele CA354797435.
Genomic context (GRCh38, chr3:142,459,290, plus strand): 5'-GATGTAGGATCAGGGAATGTTCTCAGAAACCACTCATGAAAAATAGGAGGATGCCTGGGC[A>C]GGAGAAATTCTCGGAATACTTTGAGTTTTTCAGATAAAGCTGCTGACTTTGGTAGCATAC-3'
Protein context (NP_001175.2, residues 2419-2439): EKLKVFREFL[Leu2429Arg]PRHPPIFHEW